The following is an entry in ClinVar:

ClinVar aggregate classification (germline): Uncertain significance. Review status: criteria provided, multiple submitters, no conflicts (2 of 4 stars). 3 submissions from 3 submitters: Uncertain significance (3). Last evaluated 2025-08-25.

Conditions:
Renal tubular acidosis, distal, 3, with or without sensorineural hearing loss (DRTA3). Identifiers: MedGen C5399980, MONDO:0011268, OMIM 602722.
Inborn genetic diseases. Identifiers: MedGen C0950123, MeSH D030342.

Allele frequency attached by ClinVar (database versions not stated): gnomAD exomes 0.00001 and 0.00004; TOPMed 0.00001; ExAC 0.00003.
gnomAD v4.1: 11 of 1,612,230 alleles (0.00068%); highest among the groups gnomAD compares: Admixed American, 0.018%; no homozygotes.

Submissions (3):

Ambry Genetics
Classification: Uncertain significance for Inborn genetic diseases. Last evaluated: 2025-08-25. Review status: criteria provided, single submitter. Criteria: Ambry Variant Classification Scheme 2023. Collection method: clinical testing. Allele origin: germline.

Labcorp Genetics (formerly Invitae), Labcorp
Classification: Uncertain significance. Last evaluated: 2025-06-12. Review status: criteria provided, single submitter. Criteria: Invitae Variant Classification Sherloc (09022015). Collection method: clinical testing. Allele origin: germline.
Comment: This sequence change replaces phenylalanine, which is neutral and non-polar, with isoleucine, which is neutral and non-polar, at codon 561 of the ATP6V0A4 protein (p.Phe561Ile). This variant is present in population databases (rs764911849, gnomAD 0.03%). This variant has not been reported in the literature in individuals affected with ATP6V0A4-related conditions. ClinVar contains an entry for this variant (Variation ID: 1420390). Invitae Evidence Modeling of protein sequence and biophysical properties (such as structural, functional, and spatial information, amino acid conservation, physicochemical variation, residue mobility, and thermodynamic stability) indicates that this missense variant is not expected to disrupt ATP6V0A4 protein function with a negative predictive value of 80%. In summary, the available evidence is currently insufficient to determine the role of this variant in disease. Therefore, it has been classified as a Variant of Uncertain Significance.

Fulgent Genetics
Classification: Uncertain significance for Renal tubular acidosis, distal, 3, with or without sensorineural hearing loss. Last evaluated: 2024-05-31. Review status: criteria provided, single submitter. Criteria: ACMG Guidelines, 2015. Collection method: clinical testing. Allele origin: germline.

NM_020632.3(ATP6V0A4):c.1681T>A (p.Phe561Ile)

Gene: ATP6V0A4 (ATPase H+ transporting V0 subunit a4; minus strand). Cytogenetic location: 7q34.
Variant type: single nucleotide variant.
Coding change: c.1681T>A on transcript NM_020632.3 (MANE Select); coding-DNA position 1681, T replaced by A.
Protein change: p.Phe561Ile; replaces phenylalanine 561 with isoleucine.
Molecular consequence: missense variant.
Genome position (GRCh38, 1-based): chr7:138,734,146, A>T on the plus strand (T>A on the coding strand, the complement: ATP6V0A4 is on the minus strand). VCF-style: chr7-138734146-A-T. GRCh37 (hg19) VCF-style: chr7-138418891-A-T.
Other names: c.1681T>A, p.Phe561Ile (NM_130840.3, NM_130841.3); c.1681T>A (NM_020632.2); short protein forms F561I.
Identifiers: ClinVar variation 1420390 (VCV001420390.8), dbSNP rs764911849, ClinGen allele CA4504690.